The following is an entry in ClinVar:

NM_004820.5(CYP7B1):c.122+1G>A

Gene: CYP7B1 (cytochrome P450 family 7 subfamily B member 1; minus strand). Cytogenetic location: 8q12.3.
Variant type: single nucleotide variant.
Coding change: c.122+1G>A on transcript NM_004820.5 (MANE Select); the canonical splice donor site of the intron after coding-DNA position 122, G replaced by A.
Molecular consequence: splice donor variant.
Genome position (GRCh38, 1-based): chr8:64,798,465, C>T on the plus strand (G>A on the coding strand, the complement: CYP7B1 is on the minus strand). VCF-style: chr8-64798465-C-T. GRCh37 (hg19) VCF-style: chr8-65711022-C-T.
Other names: c.122+1G>A (NM_001324112.2).
Identifiers: ClinVar variation 4796595 (VCV004796595.1).

ClinVar aggregate classification (germline): Likely pathogenic (1 of 4 stars; one submission).

Conditions:
Hereditary spastic paraplegia 5A (SPG5A). Also called: SPASTIC PARAPLEGIA 5A, AUTOSOMAL RECESSIVE. Identifiers: Orphanet 100986, MedGen C1849115, MONDO:0010047, OMIM 270800.
Congenital bile acid synthesis defect 3. Identifiers: Orphanet 79302, MedGen C3151147, MONDO:0013439, OMIM 613812.

Submission:

Juno Genomics, Hangzhou Juno Genomics, Inc
Classification: Likely pathogenic for Hereditary spastic paraplegia 5A; Congenital bile acid synthesis defect 3. Review status: criteria provided, single submitter. Criteria: ACMG Guidelines, 2015. Collection method: clinical testing. Allele origin: germline. Affected: yes.
Comment: Absent from controls (or at extremely low frequency if recessive) in Genome Aggregation Database, Exome Sequencing Project, 1000 Genomes Project, or Exome Aggregation Consortium.;Null variant in a gene where loss of function (LOF) is a known mechanism of disease.